The following is an entry in ClinVar:

ClinVar aggregate classification (germline): Uncertain significance (1 of 4 stars; one submission).

Conditions:
Dyskeratosis congenita, autosomal dominant 1 (DKCA1). Also called: Dyskeratosis congenita Scoggins type. Identifiers: Orphanet 1775, MedGen C4551974, MONDO:0007485, OMIM 127550. Inheritance: Variable.

Allele frequency attached by ClinVar (database versions not stated): 1000 Genomes Project 30x 0.00016; 1000 Genomes Project 0.00040; gnomAD 0.00001.

Submission:

Labcorp Genetics (formerly Invitae), Labcorp
Classification: Uncertain significance for Dyskeratosis congenita, autosomal dominant 1. Last evaluated: 2021-08-06. Review status: criteria provided, single submitter. Criteria: Invitae Variant Classification Sherloc (09022015). Collection method: clinical testing. Allele origin: germline.
Comment: This variant occurs in the TERC gene, which encodes an RNA molecule that does not result in a protein product. This variant is not present in population databases (ExAC no frequency). This variant has not been reported in the literature in individuals affected with TERC-related conditions. Experimental studies and prediction algorithms are not available or were not evaluated, and the functional significance of this variant is currently unknown. In summary, the available evidence is currently insufficient to determine the role of this variant in disease. Therefore, it has been classified as a Variant of Uncertain Significance. This variant is located within the BoxH/ACA scaRNA domain of the TERC RNA component, which is required for telomerase activity (PMID: 21844345).

Literature cited by the submitters: PubMed 21844345.

NC_000003.12:g.169764656T>C

Gene: TERC (telomerase RNA component; minus strand). Cytogenetic location: 3q26.2.
Variant type: single nucleotide variant.
Genome position: GRCh38 VCF-style: chr3-169764656-T-C. GRCh37 (hg19) VCF-style: chr3-169482444-T-C.
Identifiers: ClinVar variation 1429553 (VCV001429553.6), dbSNP rs138034348, ClinGen allele CA87623713.